The following is an entry in ClinVar:

NM_012330.4(KAT6B):c.2845G>A (p.Asp949Asn)

Gene: KAT6B (lysine acetyltransferase 6B; plus strand). Cytogenetic location: 10q22.2.
Variant type: single nucleotide variant.
Coding change: c.2845G>A on transcript NM_012330.4 (MANE Select); coding-DNA position 2845, G replaced by A.
Protein change: p.Asp949Asn; replaces aspartic acid 949 with asparagine.
Molecular consequence: missense variant.
Genome position (GRCh38, 1-based): chr10:75,020,797, G>A. VCF-style: chr10-75020797-G-A. GRCh37 (hg19) VCF-style: chr10-76780555-G-A.
Other names: c.2296G>A, p.Asp766Asn (NM_001256468.2, NM_001370138.1); c.1969G>A, p.Asp657Asn (NM_001256469.2, NM_001370139.1, NM_001370140.1 and 2 more transcripts); c.1807G>A, p.Asp603Asn (NM_001370132.1); c.1156G>A, p.Asp386Asn (NM_001370133.1); c.760G>A, p.Asp254Asn (NM_001370134.1); c.502G>A, p.Asp168Asn (NM_001370135.1); c.2845G>A, p.Asp949Asn (NM_001370136.1, NM_001370137.1); c.2845G>A (NM_012330.2); and 1 more; short protein forms D594N, D254N, D386N, D603N, D657N, D766N, D168N, D949N.
Identifiers: ClinVar variation 2079133 (VCV002079133.7), dbSNP rs903839861, ClinGen allele CA209701124.
Genomic context (GRCh38, chr10:75,020,797, plus strand): 5'-AGAGCGACGGGCATGTGCCCACATGACATTGCCACCACTCTGCAGCACCTCCACATGATC[G>A]ACAAGAGAGATGGCAGGTGAGTCCTGGGACCCTGGGCAGCTCCGTGGCTCAGGCATCCCA-3'
Protein context (NP_036462.2, residues 939-959): ATTLQHLHMI[Asp949Asn]KRDGRFVIIR

ClinVar aggregate classification (germline): Conflicting classifications of pathogenicity. Review status: criteria provided, conflicting classifications (1 of 4 stars). 3 submissions from 3 submitters: Uncertain significance (2); Likely benign (1). Last evaluated 2024-11-05.

Conditions:
Inborn genetic diseases. Identifiers: MedGen C0950123, MeSH D030342.
Blepharophimosis - intellectual disability syndrome, SBBYS type (SBBYSS). Also called: Say-Barber-Biesecker variant of Ohdo syndrome (SBBYSS); Say-Barber-Biesecker-Young-Simpson variant of Ohdo Syndrome; Say-Barber-Biesecker Variant of Ohdo Syndrome; Young Simpson syndrome; Mental retardation unusual facies hypothyroidism; Ohdo syndrome, SBBYS variant. Identifiers: Orphanet 3047, MedGen C1863557, MONDO:0011365, OMIM 603736.
Genitopatellar syndrome (GTPTS). Also called: Genitopatellar syndrome (GPS); ABSENT PATELLAE, SCROTAL HYPOPLASIA, RENAL ANOMALIES, FACIAL DYSMORPHISM, AND MENTAL RETARDATION. Identifiers: Orphanet 85201, MedGen C1853566, MONDO:0011640, OMIM 606170.

Allele frequency attached by ClinVar (database versions not stated): gnomAD 0.00002.
gnomAD v4.1: 30 of 1,613,970 alleles (0.0019%); highest among the groups gnomAD compares: African/African-American, 0.011%; no homozygotes.

Submissions (3):

Labcorp Genetics (formerly Invitae), Labcorp
Classification: Uncertain significance for Genitopatellar syndrome. Last evaluated: 2024-11-05. Review status: criteria provided, single submitter. Criteria: Invitae Variant Classification Sherloc (09022015). Collection method: clinical testing. Allele origin: germline.
Comment: This sequence change replaces aspartic acid, which is acidic and polar, with asparagine, which is neutral and polar, at codon 949 of the KAT6B protein (p.Asp949Asn). This variant is present in population databases (no rsID available, gnomAD 0.004%). This variant has not been reported in the literature in individuals affected with KAT6B-related conditions. ClinVar contains an entry for this variant (Variation ID: 2079133). Invitae Evidence Modeling of protein sequence and biophysical properties (such as structural, functional, and spatial information, amino acid conservation, physicochemical variation, residue mobility, and thermodynamic stability) indicates that this missense variant is not expected to disrupt KAT6B protein function with a negative predictive value of 80%. In summary, the available evidence is currently insufficient to determine the role of this variant in disease. Therefore, it has been classified as a Variant of Uncertain Significance.

Fulgent Genetics
Classification: Uncertain significance for Blepharophimosis - intellectual disability syndrome, SBBYS type; Genitopatellar syndrome. Last evaluated: 2024-05-02. Review status: criteria provided, single submitter. Criteria: ACMG Guidelines, 2015. Collection method: clinical testing. Allele origin: germline.

Ambry Genetics
Classification: Likely benign for Inborn genetic diseases. Last evaluated: 2023-03-27. Review status: criteria provided, single submitter. Criteria: Ambry Variant Classification Scheme 2023. Collection method: clinical testing. Allele origin: germline.